The following is an entry in ClinVar:

NM_016579.4(CD320):c.7G>A (p.Gly3Ser)

Gene: CD320 (CD320 molecule; minus strand). Cytogenetic location: 19p13.2.
Variant type: single nucleotide variant.
Coding change: c.7G>A on transcript NM_016579.4 (MANE Select); coding-DNA position 7, G replaced by A.
Protein change: p.Gly3Ser; replaces glycine 3 with serine.
Molecular consequence: missense variant.
Genome position (GRCh38, 1-based): chr19:8,308,284, C>T on the plus strand (G>A on the coding strand, the complement: CD320 is on the minus strand). VCF-style: chr19-8308284-C-T. GRCh37 (hg19) VCF-style: chr19-8373168-C-T.
Other names: c.7G>A (NM_016579.3); c.7G>A, p.Gly3Ser (NM_001165895.2); short protein forms G3S.
Identifiers: ClinVar variation 1421005 (VCV001421005.7), dbSNP rs778033415, ClinGen allele CA9154876.

ClinVar aggregate classification (germline): Conflicting classifications of pathogenicity. Review status: criteria provided, conflicting classifications (1 of 4 stars). 2 submissions from 2 submitters: Uncertain significance (1); Likely benign (1). Last evaluated 2024-06-02.

Conditions:
Methylmalonic acidemia due to transcobalamin receptor defect (MATR). Also called: METHYLMALONIC ACIDURIA, TRANSIENT, DUE TO TRANSCOBALAMIN RECEPTOR DEFECT; METHYLMALONIC ACIDEMIA, TCblR TYPE. Identifiers: Orphanet 280183, MedGen C4749905, MONDO:0013341, OMIM 613646.

Allele frequency attached by ClinVar (database versions not stated): gnomAD exomes 0.00001; ExAC 0.00004.

Submissions (2):

Ambry Genetics
Classification: Likely benign. Last evaluated: 2024-06-02. Review status: criteria provided, single submitter. Criteria: Ambry Variant Classification Scheme 2023. Collection method: clinical testing. Allele origin: germline.

Labcorp Genetics (formerly Invitae), Labcorp
Classification: Uncertain significance for Methylmalonic acidemia due to transcobalamin receptor defect. Last evaluated: 2021-11-30. Review status: criteria provided, single submitter. Criteria: Invitae Variant Classification Sherloc (09022015). Collection method: clinical testing. Allele origin: germline.
Comment: The frequency data for this variant in the population databases is considered unreliable, as metrics indicate poor data quality at this position in the gnomAD database. In summary, the available evidence is currently insufficient to determine the role of this variant in disease. Therefore, it has been classified as a Variant of Uncertain Significance. Algorithms developed to predict the effect of missense changes on protein structure and function output the following: SIFT: "Tolerated"; PolyPhen-2: "Benign"; Align-GVGD: "Class C0". The serine amino acid residue is found in multiple mammalian species, which suggests that this missense change does not adversely affect protein function. This variant has not been reported in the literature in individuals affected with CD320-related conditions. This sequence change replaces glycine, which is neutral and non-polar, with serine, which is neutral and polar, at codon 3 of the CD320 protein (p.Gly3Ser).